The following is an entry in ClinVar:

ClinVar aggregate classification (germline): Pathogenic/Likely pathogenic. Review status: criteria provided, multiple submitters, no conflicts (2 of 4 stars). 2 submissions from 2 submitters: Pathogenic (1); Likely pathogenic (1). Last evaluated 2024-07-24.

Conditions:
CPLANE1-related disorders.

Submissions (2):

Labcorp Genetics (formerly Invitae), Labcorp
Classification: Pathogenic. Last evaluated: 2024-07-24. Review status: criteria provided, single submitter. Criteria: Invitae Variant Classification Sherloc (09022015). Collection method: clinical testing. Allele origin: germline.
Comment: This sequence change creates a premature translational stop signal (p.Glu1438*) in the CPLANE1 gene. It is expected to result in an absent or disrupted protein product. Loss-of-function variants in CPLANE1 are known to be pathogenic (PMID: 24178751, 26092869). This variant is not present in population databases (gnomAD no frequency). This variant has not been reported in the literature in individuals affected with CPLANE1-related conditions. Algorithms developed to predict the effect of sequence changes on RNA splicing suggest that this variant may disrupt the consensus splice site. For these reasons, this variant has been classified as Pathogenic.

Blueprint Genetics
Classification: Likely pathogenic for CPLANE1-related disorders. Last evaluated: 2023-11-07. Review status: criteria provided, single submitter. Criteria: ACMG Guidelines, 2015. Collection method: clinical testing. Allele origin: germline. Affected: yes. Observed: 1 variant allele.

Literature cited by the submitters: PubMed 24178751 (cited by Labcorp Genetics (formerly Invitae), Labcorp); PubMed 26092869 (cited by Labcorp Genetics (formerly Invitae), Labcorp).

NM_001384732.1(CPLANE1):c.4312G>T (p.Glu1438Ter)

Genes: CPLANE1 (ciliogenesis and planar polarity effector complex subunit 1; minus strand), LOC129389274 (MPRA-validated peak5227 silencer; plus strand). Cytogenetic location: 5p13.2.
Variant type: single nucleotide variant.
Coding change: c.4312G>T on transcript NM_001384732.1 (MANE Select); coding-DNA position 4312, G replaced by T.
Protein change: p.Glu1438Ter; replaces glutamic acid 1438 with a stop codon.
Molecular consequence: nonsense.
Genome position (GRCh38, 1-based): chr5:37,184,957, C>A on the plus strand (G>T on the coding strand, the complement: CPLANE1 is on the minus strand). VCF-style: chr5-37184957-C-A. GRCh37 (hg19) VCF-style: chr5-37185059-C-A.
Other names: c.4312G>T, p.Glu1438Ter (NM_023073.4); short protein forms E1438*.
Identifiers: ClinVar variation 2831554 (VCV002831554.4), dbSNP rs2547854950, ClinGen allele CA359501314.